The following is an entry in ClinVar:

ClinVar aggregate classification (germline): Uncertain significance. Review status: criteria provided, multiple submitters, no conflicts (2 of 4 stars). 2 submissions from 2 submitters: Uncertain significance (2). Last evaluated 2025-06-30.

Submissions (2):

GeneDx
Classification: Uncertain significance. Last evaluated: 2025-06-30. Review status: criteria provided, single submitter. Criteria: GeneDx Variant Classification Process June 2021. Collection method: clinical testing. Allele origin: germline. Affected: yes.
Comment: Not observed at significant frequency in large population cohorts (gnomAD); In silico analysis suggests that this missense variant does not alter protein structure/function; Has not been previously published as pathogenic or benign to our knowledge

Dasa
Classification: Uncertain significance. Last evaluated: 2025-05-30. Review status: criteria provided, single submitter. Criteria: DASA Assertion Criteria. Collection method: clinical testing. Allele origin: germline.
Comment: NM_001330574.2(ZNF711):c.571G>T (p.Asp191Tyr) is a missense variant that results in the substitution of aspartic acid with tyrosine. This variant is rare in population databases. Computational prediction algorithms are consistent with a benign effect. The currently available literature and clinical evidence are not sufficient to establish a definitive association between this variant and the reported condition. Therefore, this variant is classified as a variant of uncertain significance.

NM_001330574.2(ZNF711):c.571G>T (p.Asp191Tyr)

Gene: ZNF711 (ZFX family zinc finger ZNF711; plus strand). Cytogenetic location: Xq21.1.
Variant type: single nucleotide variant.
Coding change: c.571G>T on transcript NM_001330574.2 (MANE Select); coding-DNA position 571, G replaced by T.
Protein change: p.Asp191Tyr; replaces aspartic acid 191 with tyrosine.
Molecular consequence: missense variant.
Genome position (GRCh38, 1-based): chrX:85,255,750, G>T. VCF-style: chrX-85255750-G-T. GRCh37 (hg19) VCF-style: chrX-84510756-G-T.
Other names: c.571G>T, p.Asp191Tyr (NM_001375431.1, NM_001375432.1, NM_001375433.1 and 5 more transcripts); short protein forms D191Y.
Identifiers: ClinVar variation 4681104 (VCV004681104.3).